The following is an entry in ClinVar:

ClinVar aggregate classification (germline): Likely benign. Review status: criteria provided, multiple submitters, no conflicts (2 of 4 stars). 2 submissions from 2 submitters: Likely benign (2). Last evaluated 2025-04-16.

gnomAD v4.1: 17 of 1,614,168 alleles (0.0011%); highest among the groups gnomAD compares: South Asian, 0.0077%; no homozygotes.

Submissions (2):

Labcorp Genetics (formerly Invitae), Labcorp
Classification: Likely benign. Last evaluated: 2025-04-16. Review status: criteria provided, single submitter. Criteria: Invitae Variant Classification Sherloc (09022015). Collection method: clinical testing. Allele origin: germline.

CeGaT Center for Human Genetics Tuebingen
Classification: Likely benign. Last evaluated: 2023-01-01. Review status: criteria provided, single submitter. Criteria: CeGaT Center For Human Genetics Tuebingen Variant Classification Criteria Version 2. Collection method: clinical testing. Allele origin: germline. Affected: yes. Observed: 1 variant allele.
Comment: MMP2: BP4, BP7

NM_004530.6(MMP2):c.1659C>G (p.Pro553=)

Gene: MMP2 (matrix metallopeptidase 2; plus strand). Cytogenetic location: 16q12.2.
Variant type: single nucleotide variant.
Coding change: c.1659C>G on transcript NM_004530.6 (MANE Select); coding-DNA position 1659, C replaced by G.
Protein change: p.Pro553=; no amino-acid change (proline 553 retained).
Molecular consequence: synonymous variant.
Genome position (GRCh38, 1-based): chr16:55,498,338, C>G. VCF-style: chr16-55498338-C-G. GRCh37 (hg19) VCF-style: chr16-55532250-C-G.
Other names: c.1509C>G, p.Pro503= (NM_001127891.3); c.1431C>G, p.Pro477= (NM_001302508.1, NM_001302509.2, NM_001302510.2).
Identifiers: ClinVar variation 1597241 (VCV001597241.32), dbSNP rs747523622, ClinGen allele CA8060525.